The following is an entry in ClinVar:

ClinVar aggregate classification (germline): Uncertain significance (1 of 4 stars; one submission).

Conditions:
COG1 congenital disorder of glycosylation (CDG2G). Also called: CONGENITAL DISORDER OF GLYCOSYLATION, TYPE IIg; CDG IIg; CDGII/COG1 CEREBROCOSTOMANDIBULAR-LIKE SYNDROME. Identifiers: Orphanet 263508, MedGen C2931011, MONDO:0012637, OMIM 611209.

Allele frequency attached by ClinVar (database versions not stated): gnomAD exomes below 0.00001; TOPMed below 0.00001; ExAC 0.00002; ESP Exome Variant Server 0.00008.
gnomAD v4.1: 6 of 1,614,232 alleles (0.00037%); highest among the groups gnomAD compares: Non-Finnish European, 0.00051%; no homozygotes.

Submission:

Labcorp Genetics (formerly Invitae), Labcorp
Classification: Uncertain significance for COG1 congenital disorder of glycosylation. Last evaluated: 2024-11-11. Review status: criteria provided, single submitter. Criteria: Invitae Variant Classification Sherloc (09022015). Collection method: clinical testing. Allele origin: germline.
Comment: This sequence change replaces cysteine, which is neutral and slightly polar, with serine, which is neutral and polar, at codon 150 of the COG1 protein (p.Cys150Ser). This variant is present in population databases (rs369274946, gnomAD 0.003%). This variant has not been reported in the literature in individuals affected with COG1-related conditions. ClinVar contains an entry for this variant (Variation ID: 2146689). Invitae Evidence Modeling of protein sequence and biophysical properties (such as structural, functional, and spatial information, amino acid conservation, physicochemical variation, residue mobility, and thermodynamic stability) indicates that this missense variant is not expected to disrupt COG1 protein function with a negative predictive value of 80%. In summary, the available evidence is currently insufficient to determine the role of this variant in disease. Therefore, it has been classified as a Variant of Uncertain Significance.

NM_018714.3(COG1):c.448T>A (p.Cys150Ser)

Gene: COG1 (component of oligomeric golgi complex 1; plus strand). Cytogenetic location: 17q25.1.
Variant type: single nucleotide variant.
Coding change: c.448T>A on transcript NM_018714.3 (MANE Select); coding-DNA position 448, T replaced by A.
Protein change: p.Cys150Ser; replaces cysteine 150 with serine.
Molecular consequence: missense variant.
Genome position (GRCh38, 1-based): chr17:73,196,639, T>A. VCF-style: chr17-73196639-T-A. GRCh37 (hg19) VCF-style: chr17-71192778-T-A.
Other names: short protein forms C150S.
Identifiers: ClinVar variation 2146689 (VCV002146689.4), dbSNP rs369274946, ClinGen allele CA8739965.